The following is an entry in ClinVar:

NM_003072.5(SMARCA4):c.124A>G (p.Met42Val)

Gene: SMARCA4 (SWI/SNF related BAF chromatin remodeling complex subunit ATPase 4; plus strand). Cytogenetic location: 19p13.2.
Variant type: single nucleotide variant.
Coding change: c.124A>G on transcript NM_003072.5 (MANE Select); coding-DNA position 124, A replaced by G.
Protein change: p.Met42Val; replaces methionine 42 with valine.
Molecular consequence: missense variant. On other transcripts: non-coding transcript variant (1).
Genome position (GRCh38, 1-based): chr19:10,984,275, A>G. VCF-style: chr19-10984275-A-G. GRCh37 (hg19) VCF-style: chr19-11094951-A-G.
Other names: c.124A>G, p.Met42Val (NM_001128844.3, NM_001128845.2, NM_001128846.2 and 5 more transcripts); short protein forms M42V.
Identifiers: ClinVar variation 408644 (VCV000408644.18), dbSNP rs1060502081, ClinGen allele CA16615842.

ClinVar aggregate classification (germline): Conflicting classifications of pathogenicity. Review status: criteria provided, conflicting classifications (1 of 4 stars). 5 submissions from 5 submitters: Uncertain significance (4); Likely benign (1). Last evaluated 2025-07-30.

Conditions:
Hereditary cancer-predisposing syndrome. Also called: Hereditary neoplastic syndrome; Tumor predisposition; Hereditary Cancer Syndrome; Neoplastic Syndromes, Hereditary. Identifiers: Orphanet 140162, MedGen C0027672, MeSH D009386, MONDO:0015356.
Intellectual disability, autosomal dominant 16 (CSS4). Also called: COFFIN-SIRIS SYNDROME 4. Identifiers: Orphanet 1465, MedGen C3553249, MONDO:0013821, OMIM 614609.
Rhabdoid tumor predisposition syndrome 2 (RTPS2). Identifiers: Orphanet 231108, Orphanet 69077, MedGen C2750074, MONDO:0013224, OMIM 613325.

Allele frequency attached by ClinVar (database versions not stated): TOPMed 0.00001; gnomAD exomes below 0.00001.
gnomAD v4.1: 3 of 1,611,132 alleles (0.00019%); highest among the groups gnomAD compares: South Asian, 0.0011%; no homozygotes.

Submissions (5):

Labcorp Genetics (formerly Invitae), Labcorp
Classification: Uncertain significance for Rhabdoid tumor predisposition syndrome 2. Last evaluated: 2025-07-30. Review status: criteria provided, single submitter. Criteria: Invitae Variant Classification Sherloc (09022015). Collection method: clinical testing. Allele origin: germline.
Comment: This sequence change replaces methionine, which is neutral and non-polar, with valine, which is neutral and non-polar, at codon 42 of the SMARCA4 protein (p.Met42Val). This variant is not present in population databases (gnomAD no frequency). This variant has not been reported in the literature in individuals affected with SMARCA4-related conditions. ClinVar contains an entry for this variant (Variation ID: 408644). Invitae Evidence Modeling of protein sequence and biophysical properties (such as structural, functional, and spatial information, amino acid conservation, physicochemical variation, residue mobility, and thermodynamic stability) has been performed for this missense variant. However, the output from this modeling did not meet the statistical confidence thresholds required to predict the impact of this variant on SMARCA4 protein function. In summary, the available evidence is currently insufficient to determine the role of this variant in disease. Therefore, it has been classified as a Variant of Uncertain Significance.

GeneDx
Classification: Uncertain significance. Last evaluated: 2023-11-15. Review status: criteria provided, single submitter. Criteria: GeneDx Variant Classification Process June 2021. Collection method: clinical testing. Allele origin: germline.
Comment: Not observed at significant frequency in large population cohorts (gnomAD); In silico analysis supports that this missense variant does not alter protein structure/function; Has not been previously published as pathogenic or benign to our knowledge

Baylor Genetics
Classification: Uncertain significance for Rhabdoid tumor predisposition syndrome 2. Last evaluated: 2023-10-03. Review status: criteria provided, single submitter. Criteria: ACMG Guidelines, 2015. Collection method: clinical testing. Allele origin: unknown.

Ambry Genetics
Classification: Likely benign for Hereditary cancer-predisposing syndrome. Last evaluated: 2022-08-05. Review status: criteria provided, single submitter. Criteria: Ambry Variant Classification Scheme 2023. Collection method: clinical testing. Allele origin: germline.

Genome-Nilou Lab
Classification: Uncertain significance for Intellectual disability, autosomal dominant 16. Last evaluated: 2021-07-15. Review status: criteria provided, single submitter. Criteria: ACMG Guidelines, 2015. Collection method: clinical testing. Allele origin: germline. Affected: no.